The following is an entry in ClinVar:

NM_000133.4(F9):c.1138G>A (p.Ala380Thr)

Gene: F9 (coagulation factor IX; plus strand). Cytogenetic location: Xq27.1.
Variant type: single nucleotide variant.
Coding change: c.1138G>A on transcript NM_000133.4 (MANE Select); coding-DNA position 1138, G replaced by A.
Protein change: p.Ala380Thr; replaces alanine 380 with threonine.
Molecular consequence: missense variant.
Genome position (GRCh38, 1-based): chrX:139,561,823, G>A. VCF-style: chrX-139561823-G-A. GRCh37 (hg19) VCF-style: chrX-138643982-G-A.
Other names: c.1024G>A, p.Ala342Thr (NM_001313913.2); short protein forms A342T, A380T.
Identifiers: ClinVar variation 1698768 (VCV001698768.2), dbSNP rs2148367990, ClinGen allele CA414446119.

ClinVar aggregate classification (germline): Pathogenic (1 of 4 stars; one submission).

Conditions:
Hereditary factor IX deficiency disease (HEMB). Also called: PLASMA THROMBOPLASTIN COMPONENT DEFICIENCY; Hemophilia B; F9 DEFICIENCY; FACTOR IX DEFICIENCY; Christmas Disease. Identifiers: Orphanet 98879, MedGen C0008533, MeSH D002836, MONDO:0010604, OMIM 306900.

Submission:

Genetics and Molecular Pathology, SA Pathology
Classification: Pathogenic for Hereditary factor IX deficiency disease. Last evaluated: 2020-06-24. Review status: criteria provided, single submitter. Criteria: ACMG Guidelines, 2015. Collection method: clinical testing. Allele origin: germline. Inheritance: X-linked recessive inheritance. Affected: yes.
Comment: PM2, PM5, PP2, PP5, PP4